The following is an entry in ClinVar:

ClinVar aggregate classification (germline): Pathogenic/Likely pathogenic. Review status: criteria provided, multiple submitters, no conflicts (2 of 4 stars). 2 submissions from 2 submitters: Pathogenic (1); Likely pathogenic (1). Last evaluated 2024-03-28.

Conditions:
NF1-related disorder. Also called: NF1-related condition. Identifiers: MedGen CN379171.
Neurofibromatosis, type 1 (NF1). Also called: Peripheral type neurofibromatosis; VON RECKLINGHAUSEN DISEASE; Neurofibromatosis, type I; NEUROFIBROMATOSIS, TYPE I, SOMATIC. Identifiers: Orphanet 636, MedGen C0027831, MONDO:0018975, OMIM 162200. Disease mechanism: loss of function.

Submissions (2):

Blueprint Genetics
Classification: Likely pathogenic for NF1-related disorders. Last evaluated: 2024-03-28. Review status: criteria provided, single submitter. Criteria: ACMG Guidelines, 2015. Collection method: clinical testing. Allele origin: germline. Affected: yes. Observed: 1 variant allele.

Labcorp Genetics (formerly Invitae), Labcorp
Classification: Pathogenic for Neurofibromatosis, type 1. Last evaluated: 2019-12-03. Review status: criteria provided, single submitter. Criteria: Invitae Variant Classification Sherloc (09022015). Collection method: clinical testing. Allele origin: germline.
Comment: For these reasons, this variant has been classified as Pathogenic. Loss-of-function variants in NF1 are known to be pathogenic (PMID: 10712197, 23913538). This variant has not been reported in the literature in individuals with NF1-related conditions. This variant is not present in population databases (ExAC no frequency). This sequence change creates a premature translational stop signal (p.Gly1385*) in the NF1 gene. It is expected to result in an absent or disrupted protein product.

Literature cited by the submitters: PubMed 10712197 (cited by Labcorp Genetics (formerly Invitae), Labcorp); PubMed 23913538 (cited by Labcorp Genetics (formerly Invitae), Labcorp).

NM_001042492.3(NF1):c.4216G>T (p.Gly1406Ter)

Gene: NF1 (neurofibromin 1; plus strand). Cytogenetic location: 17q11.2.
Variant type: single nucleotide variant.
Coding change: c.4216G>T on transcript NM_001042492.3 (MANE Select); coding-DNA position 4216, G replaced by T.
Protein change: p.Gly1406Ter; replaces glycine 1406 with a stop codon.
Molecular consequence: nonsense.
Genome position (GRCh38, 1-based): chr17:31,258,386, G>T. VCF-style: chr17-31258386-G-T. GRCh37 (hg19) VCF-style: chr17-29585404-G-T.
Other names: c.4153G>T, p.Gly1385Ter (NM_000267.4); short protein forms G1406*, G1385*.
Identifiers: ClinVar variation 841676 (VCV000841676.7), dbSNP rs2067621208, ClinGen allele CA398997721.
Genomic context (GRCh38, chr17:31,258,386, plus strand): 5'-TCAACTCCTTGTTTTTAGGTGGTTAGCCAGCGTTTCCCTCAGAACAGCATCGGTGCAGTA[G>T]GAAGTGCCATGTTCCTCAGATTTATCAATCCTGCCATTGTCTCACCGTATGAAGCAGGGA-3'